The following is an entry in ClinVar:

ClinVar aggregate classification (germline): Likely pathogenic (1 of 4 stars; one submission).

Allele frequency attached by ClinVar (database versions not stated): ExAC 0.00001.
gnomAD v4.1: 4 of 1,610,270 alleles (0.00025%); highest among the groups gnomAD compares: African/African-American, 0.0053%; no homozygotes.

Submission:

Labcorp Genetics (formerly Invitae), Labcorp
Classification: Likely pathogenic. Last evaluated: 2024-01-25. Review status: criteria provided, single submitter. Criteria: Invitae Variant Classification Sherloc (09022015). Collection method: clinical testing. Allele origin: germline.
Comment: This sequence change affects a donor splice site in intron 7 of the GPR179 gene. It is expected to disrupt RNA splicing. Variants that disrupt the donor or acceptor splice site typically lead to a loss of protein function (PMID: 16199547), and loss-of-function variants in GPR179 are known to be pathogenic (PMID: 22325361, 22325362). This variant is present in population databases (rs753317811, gnomAD 0.007%). This variant has not been reported in the literature in individuals affected with GPR179-related conditions. ClinVar contains an entry for this variant (Variation ID: 2015051). Algorithms developed to predict the effect of sequence changes on RNA splicing suggest that this variant may disrupt the consensus splice site. In summary, the currently available evidence indicates that the variant is pathogenic, but additional data are needed to prove that conclusively. Therefore, this variant has been classified as Likely Pathogenic.

Literature cited by the submitters: PubMed 16199547; PubMed 22325361; PubMed 22325362.

NM_001004334.4(GPR179):c.1645+1G>T

Gene: GPR179 (G protein-coupled receptor 179; minus strand). Cytogenetic location: 17q12.
Variant type: single nucleotide variant.
Coding change: c.1645+1G>T on transcript NM_001004334.4 (MANE Select); the canonical splice donor site of the intron after coding-DNA position 1645, G replaced by T.
Molecular consequence: splice donor variant.
Genome position (GRCh38, 1-based): chr17:38,335,032, C>A on the plus strand (G>T on the coding strand, the complement: GPR179 is on the minus strand). VCF-style: chr17-38335032-C-A. GRCh37 (hg19) VCF-style: chr17-36490915-C-A.
Identifiers: ClinVar variation 2015051 (VCV002015051.4), dbSNP rs753317811, ClinGen allele CA290108605.
Genomic context (GRCh38, chr17:38,335,032, plus strand): 5'-GAACCCTGGAGGCACAGAGGCAGGGACCAGCGTAAGGCTGGGCTCAGCAGAAGCAGCTCA[C>A]CCACAACCATGATGTAGTCCCAGCGGTCGTGGTGACAGAGGTAGAAATGGCGGCCACTGG-3'